The following is an entry in ClinVar:

ClinVar aggregate classification (germline): Benign (1 of 4 stars; one submission).

Conditions:
Oligodontia-cancer predisposition syndrome. Also called: TOOTH AGENESIS-COLORECTAL CANCER SYNDROME. Identifiers: Orphanet 300576, MedGen C1837750, MONDO:0012075, OMIM 608615. Disease mechanism: loss of function.

Submission:

Myriad Genetics, Inc.
Classification: Benign for Oligodontia-cancer predisposition syndrome. Last evaluated: 2024-06-26. Review status: criteria provided, single submitter. Criteria: Myriad Autosomal Dominant, Autosomal Recessive and X-Linked Classification Criteria (2023). Collection method: clinical testing. Allele origin: unknown.
Comment: This variant is considered benign. This variant is a silent/synonymous amino acid change and it is not expected to impact splicing.

NM_004655.4(AXIN2):c.507C>A (p.Ile169=)

Gene: AXIN2 (axin 2; minus strand). Cytogenetic location: 17q24.1.
Variant type: single nucleotide variant.
Coding change: c.507C>A on transcript NM_004655.4 (MANE Select); coding-DNA position 507, C replaced by A.
Protein change: p.Ile169=; no amino-acid change (isoleucine 169 retained).
Molecular consequence: synonymous variant.
Genome position (GRCh38, 1-based): chr17:65,558,114, G>T on the plus strand (C>A on the coding strand, the complement: AXIN2 is on the minus strand). VCF-style: chr17-65558114-G-T. GRCh37 (hg19) VCF-style: chr17-63554232-G-T.
Other names: c.507C>A, p.Ile169= (NM_001363813.1).
Identifiers: ClinVar variation 3254298 (VCV003254298.1), dbSNP rs1730093046.